The following is an entry in ClinVar:

ClinVar aggregate classification (germline): Benign. Review status: criteria provided, multiple submitters, no conflicts (2 of 4 stars). 2 submissions from 2 submitters: Benign (2). Last evaluated 2026-02-01.

Conditions:
Atransferrinemia. Also called: Familial hypotransferrinemia. Identifiers: Orphanet 1195, MedGen C0521802, MONDO:0008846, OMIM 209300, HP:0012239.

Allele frequency attached by ClinVar (database versions not stated): ESP Exome Variant Server 0.00054; gnomAD 0.00246 and 0.00299; TOPMed 0.00255; gnomAD exomes 0.00271 and 0.00489; ExAC 0.00501; 1000 Genomes Project 30x 0.01031; 1000 Genomes Project 0.01118.
gnomAD v4.1: 4,447 of 1,613,900 alleles (0.28%); highest among the groups gnomAD compares: East Asian, 6.5%; 111 homozygotes.

Submissions (2):

Labcorp Genetics (formerly Invitae), Labcorp
Classification: Benign. Last evaluated: 2026-02-01. Review status: criteria provided, single submitter. Criteria: Invitae Variant Classification Sherloc (09022015). Collection method: clinical testing. Allele origin: germline.

Illumina Laboratory Services, Illumina
Classification: Benign for Atransferrinemia. Last evaluated: 2018-01-13. Review status: criteria provided, single submitter. Criteria: ICSL Variant Classification Criteria 13 December 2019. Collection method: clinical testing. Allele origin: germline.
Comment: This variant was observed in the ICSL laboratory as part of a predisposition screen in an ostensibly healthy population. It had not been previously curated by ICSL or reported in the Human Gene Mutation Database (HGMD: prior to June 1st, 2018), and was therefore a candidate for classification through an automated scoring system. Utilizing variant allele frequency, disease prevalence and penetrance estimates, and inheritance mode, an automated score was calculated to assess if this variant is too frequent to cause the disease. Based on the score and internal cut-off values, a variant classified as benign is not then subjected to further curation. The score for this variant resulted in a classification of benign for this disease.

NM_001063.4(TF):c.635+13T>A

Gene: TF (transferrin; plus strand). Cytogenetic location: 3q22.1.
Variant type: single nucleotide variant.
Coding change: c.635+13T>A on transcript NM_001063.4 (MANE Select); 13 bases into the intron after coding-DNA position 635, T replaced by A.
Molecular consequence: intron variant.
Genome position (GRCh38, 1-based): chr3:133,755,508, T>A. VCF-style: chr3-133755508-T-A. GRCh37 (hg19) VCF-style: chr3-133474352-T-A.
Other names: c.503+13T>A (NM_001354703.2); c.254+13T>A (NM_001354704.2).
Identifiers: ClinVar variation 343437 (VCV000343437.12), dbSNP rs41298993, ClinGen allele CA2625029.